The following is an entry in ClinVar:

NM_001478.5(B4GALNT1):c.264C>G (p.Gly88=)

Gene: B4GALNT1 (beta-1,4-N-acetyl-galactosaminyltransferase 1; minus strand). Cytogenetic location: 12q13.3.
Variant type: single nucleotide variant.
Coding change: c.264C>G on transcript NM_001478.5 (MANE Select); coding-DNA position 264, C replaced by G.
Protein change: p.Gly88=; no amino-acid change (glycine 88 retained).
Molecular consequence: synonymous variant. On other transcripts: intron variant (6).
Genome position (GRCh38, 1-based): chr12:57,631,319, G>C on the plus strand (C>G on the coding strand, the complement: B4GALNT1 is on the minus strand). VCF-style: chr12-57631319-G-C. GRCh37 (hg19) VCF-style: chr12-58025102-G-C.
Other names: c.264C>G, p.Gly88= (NM_001276469.2, NM_001413967.1, NM_001413968.1 and 9 more transcripts); c.219-233C>G (NM_001413978.1, NM_001276468.2); c.-660+20C>G (NM_001413984.1, NM_001413982.1, NM_001413981.1 and 1 more transcripts).
Identifiers: ClinVar variation 2052907 (VCV002052907.6), dbSNP rs1448086857, ClinGen allele CA6655837.

ClinVar aggregate classification (germline): Likely benign. Review status: criteria provided, multiple submitters, no conflicts (2 of 4 stars). 2 submissions from 2 submitters: Likely benign (2). Last evaluated 2026-05-01.

Conditions:
Spastic paraplegia. Identifiers: MedGen C0037772, HP:0001258.

Allele frequency attached by ClinVar (database versions not stated): ExAC 0.00001; gnomAD 0.00001.
gnomAD v4.1: 11 of 1,612,024 alleles (0.00068%); highest among the groups gnomAD compares: South Asian, 0.0011%; no homozygotes.

Submissions (2):

CeGaT Center for Human Genetics Tuebingen
Classification: Likely benign. Last evaluated: 2026-05-01. Review status: criteria provided, single submitter. Criteria: CeGaT Center For Human Genetics Tuebingen Variant Classification Criteria Version 2. Collection method: clinical testing. Allele origin: germline. Affected: yes. Observed: 1 variant allele.
Comment: B4GALNT1: BP4, BP7

Labcorp Genetics (formerly Invitae), Labcorp
Classification: Likely benign for Spastic paraplegia. Last evaluated: 2022-02-28. Review status: criteria provided, single submitter. Criteria: Invitae Variant Classification Sherloc (09022015). Collection method: clinical testing. Allele origin: germline.